The following is an entry in ClinVar:

NM_014413.4(EIF2AK1):c.1813G>A (p.Ala605Thr)

Gene: EIF2AK1 (eukaryotic translation initiation factor 2 alpha kinase 1; minus strand). Cytogenetic location: 7p22.1.
Variant type: single nucleotide variant.
Coding change: c.1813G>A on transcript NM_014413.4 (MANE Select); coding-DNA position 1813, G replaced by A.
Protein change: p.Ala605Thr; replaces alanine 605 with threonine.
Molecular consequence: missense variant.
Genome position (GRCh38, 1-based): chr7:6,024,753, C>T on the plus strand (G>A on the coding strand, the complement: EIF2AK1 is on the minus strand). VCF-style: chr7-6024753-C-T. GRCh37 (hg19) VCF-style: chr7-6064384-C-T.
Other names: c.1810G>A, p.Ala604Thr (NM_001134335.2); short protein forms A604T, A605T.
Identifiers: ClinVar variation 4247646 (VCV004247646.2).

ClinVar aggregate classification (germline): Uncertain significance. Review status: criteria provided, multiple submitters, no conflicts (2 of 4 stars). 2 submissions from 2 submitters: Uncertain significance (2). Last evaluated 2025-08-21.

gnomAD v4.1: 12 of 1,592,308 alleles (0.00075%); highest among the groups gnomAD compares: Admixed American, 0.0093%; no homozygotes.

Submissions (2):

Ambry Genetics
Classification: Uncertain significance. Last evaluated: 2025-08-21. Review status: criteria provided, single submitter. Criteria: Ambry Variant Classification Scheme 2023. Collection method: clinical testing. Allele origin: germline.

Labcorp Genetics (formerly Invitae), Labcorp
Classification: Uncertain significance. Last evaluated: 2025-06-02. Review status: criteria provided, single submitter. Criteria: Invitae Variant Classification Sherloc (09022015). Collection method: clinical testing. Allele origin: germline.
Comment: This sequence change replaces alanine, which is neutral and non-polar, with threonine, which is neutral and polar, at codon 605 of the EIF2AK1 protein (p.Ala605Thr). This variant is present in population databases (rs767534035, gnomAD 0.01%). This variant has not been reported in the literature in individuals affected with EIF2AK1-related conditions. An algorithm developed to predict the effect of missense changes on protein structure and function (PolyPhen-2) suggests that this variant is likely to be tolerated. In summary, the available evidence is currently insufficient to determine the role of this variant in disease. Therefore, it has been classified as a Variant of Uncertain Significance.